The following is an entry in ClinVar:

ClinVar aggregate classification (germline): Uncertain significance (1 of 4 stars; one submission).

Submission:

CeGaT Center for Human Genetics Tuebingen
Classification: Uncertain significance. Last evaluated: 2023-11-01. Review status: criteria provided, single submitter. Criteria: CeGaT Center For Human Genetics Tuebingen Variant Classification Criteria Version 2. Collection method: clinical testing. Allele origin: germline. Affected: yes. Observed: 1 variant allele.
Comment: SNORD118: PM2, PM3, PP4

NR_033294.2(SNORD118):n.132dup

Genes: SNORD118 (small nucleolar RNA, C/D box 118; minus strand), TMEM107 (transmembrane protein 107; minus strand). Cytogenetic location: 17p13.1.
Variant type: Duplication.
Molecular consequence: non-coding transcript variant (on NR_033294.2). On other transcripts: 3 prime UTR variant (5).
Genome position: GRCh38 VCF-style: chr17-8173456-C-CA. GRCh37 (hg19) VCF-style: chr17-8076774-C-CA.
Other names: c.*746dup (NM_001351278.2, NM_001351279.2, NM_001351280.2 and 2 more transcripts).
Identifiers: ClinVar variation 2672688 (VCV002672688.23), dbSNP rs2507709224, ClinGen allele CA2635979539.